The following is an entry in ClinVar:

ClinVar aggregate classification (germline): Pathogenic (1 of 4 stars; one submission).

Submission:

GeneDx
Classification: Pathogenic. Last evaluated: 2022-07-05. Review status: criteria provided, single submitter. Criteria: GeneDx Variant Classification Process June 2021. Collection method: clinical testing. Allele origin: germline. Affected: yes.
Comment: Nonsense variant predicted to result in protein truncation or nonsense mediated decay in a gene for which loss of function is a known mechanism of disease; Not observed at significant frequency in large population cohorts (gnomAD); This variant is associated with the following publications: (PMID: 25525159, 8940267)

NM_033380.3(COL4A5):c.3538C>T (p.Gln1180Ter)

Gene: COL4A5 (collagen type IV alpha 5 chain; plus strand). Cytogenetic location: Xq22.3.
Variant type: single nucleotide variant.
Coding change: c.3538C>T on transcript NM_033380.3 (MANE Select); coding-DNA position 3538, C replaced by T.
Protein change: p.Gln1180Ter; replaces glutamine 1180 with a stop codon.
Molecular consequence: nonsense.
Genome position (GRCh38, 1-based): chrX:108,666,579, C>T. VCF-style: chrX-108666579-C-T. GRCh37 (hg19) VCF-style: chrX-107909809-C-T.
Other names: c.3538C>T, p.Gln1180Ter (NM_000495.5); short protein forms Q1180*.
Identifiers: ClinVar variation 1810141 (VCV001810141.1), dbSNP rs104886241, ClinGen allele CA258888.
Genomic context (GRCh38, chrX:108,666,579, plus strand): 5'-CCAGGGCCTCCAGGCGAAAAAGGCAAACCCGGTCAAGATGGTATTCCTGGACCAGCTGGA[C>T]AGAAGGGTGAACCAGGTGCTGTAGTTTTTCATTTTTCCTATTTTTCTAATTTTCTCTGTG-3'